The following is an entry in ClinVar:

ClinVar aggregate classification (germline): Uncertain significance (1 of 4 stars; one submission).

Allele frequency attached by ClinVar (database versions not stated): gnomAD exomes below 0.00001.
gnomAD v4.1: 1 of 1,610,528 alleles (0.000062%); highest among the groups gnomAD compares: African/African-American, 0.0013%; no homozygotes.

Submission:

Labcorp Genetics (formerly Invitae), Labcorp
Classification: Uncertain significance. Last evaluated: 2022-09-16. Review status: criteria provided, single submitter. Criteria: Invitae Variant Classification Sherloc (09022015). Collection method: clinical testing. Allele origin: germline.
Comment: In summary, the available evidence is currently insufficient to determine the role of this variant in disease. Therefore, it has been classified as a Variant of Uncertain Significance. Algorithms developed to predict the effect of missense changes on protein structure and function are either unavailable or do not agree on the potential impact of this missense change (SIFT: "Tolerated"; PolyPhen-2: "Probably Damaging"; Align-GVGD: "Class C0"). This variant has not been reported in the literature in individuals affected with IL6ST-related conditions. This variant is not present in population databases (gnomAD no frequency). This sequence change replaces aspartic acid, which is acidic and polar, with tyrosine, which is neutral and polar, at codon 365 of the IL6ST protein (p.Asp365Tyr).

NM_002184.4(IL6ST):c.1093G>T (p.Asp365Tyr)

Gene: IL6ST (interleukin 6 cytokine family signal transducer; minus strand). Cytogenetic location: 5q11.2.
Variant type: single nucleotide variant.
Coding change: c.1093G>T on transcript NM_002184.4 (MANE Select); coding-DNA position 1093, G replaced by T.
Protein change: p.Asp365Tyr; replaces aspartic acid 365 with tyrosine.
Molecular consequence: missense variant. On other transcripts: 3 prime UTR variant (1), non-coding transcript variant (2).
Genome position (GRCh38, 1-based): chr5:55,956,199, C>A on the plus strand (G>T on the coding strand, the complement: IL6ST is on the minus strand). VCF-style: chr5-55956199-C-A. GRCh37 (hg19) VCF-style: chr5-55252027-C-A.
Other names: c.1093G>T, p.Asp365Tyr (NM_001190981.2, NM_001364275.2); c.883G>T, p.Asp295Tyr (NM_001364276.2); c.226G>T, p.Asp76Tyr (NM_001364277.2); c.190G>T, p.Asp64Tyr (NM_001364278.2); c.97G>T, p.Asp33Tyr (NM_001364279.2); c.*20G>T (NM_175767.3); short protein forms D33Y, D76Y, D64Y, D295Y, D365Y.
Identifiers: ClinVar variation 2099452 (VCV002099452.4), dbSNP rs1751959732, ClinGen allele CA359764529.
Genomic context (GRCh38, chr5:55,956,199, plus strand): 5'-TGGCATTAACTGTGTAATTTTGTAAATGTGATTTCCATCTTGTGAGAGTCACTTCATAAT[C>A]CAAGATTTTTCCATTGGCTTCAAAAGGAGGCAATGTCTGTAATAAAATAGTTTATTTTTA-3'
Protein context (NP_002175.2, residues 355-375): PPFEANGKIL[Asp365Tyr]YEVTLTRWKS